The following is an entry in ClinVar:

NM_003978.5(PSTPIP1):c.1182T>C (p.Asp394=)

Gene: PSTPIP1 (proline-serine-threonine phosphatase interacting protein 1; plus strand). Cytogenetic location: 15q24.3.
Variant type: single nucleotide variant.
Coding change: c.1182T>C on transcript NM_003978.5 (MANE Select); coding-DNA position 1182, T replaced by C.
Protein change: p.Asp394=; no amino-acid change (aspartic acid 394 retained).
Molecular consequence: synonymous variant. On other transcripts: non-coding transcript variant (1).
Genome position (GRCh38, 1-based): chr15:77,037,107, T>C. VCF-style: chr15-77037107-T-C. GRCh37 (hg19) VCF-style: chr15-77329448-T-C.
Other names: p.D394D:GAT>GAC; c.1125T>C, p.Asp375= (NM_001321135.2); c.1155T>C, p.Asp385= (NM_001321136.2); c.1377T>C, p.Asp459= (NM_001321137.1).
Identifiers: ClinVar variation 138832 (VCV000138832.10), dbSNP rs199804922, ClinGen allele CA292952.
Genomic context (GRCh38, chr15:77,037,107, plus strand): 5'-CCCAGATGAGCTGGACCTGTCCGCGGGAGACATCCTGGAGGTGATCCTGGAAGGGGAGGA[T>C]GGCTGGTGGACTGTGGAGAGGAACGGGCAGCGTGGCTTCGTCCCTGGTTCCTACCTGGAG-3'
Protein context (NP_003969.2, residues 384-404): DILEVILEGE[Asp394=]GWWTVERNGQ

ClinVar aggregate classification (germline): Benign/Likely benign. Review status: criteria provided, multiple submitters, no conflicts (2 of 4 stars). 3 submissions from 3 submitters: Benign (1); Likely benign (2). Last evaluated 2025-06-29.

Conditions:
Pyogenic arthritis-pyoderma gangrenosum-acne syndrome (PAPA). Also called: FAMILIAL RECURRENT ARTHRITIS; PAPA SYNDROME. Identifiers: Orphanet 69126, MedGen C1858361, MONDO:0011462, OMIM 604416.

Allele frequency attached by ClinVar (database versions not stated): ExAC 0.00005; gnomAD exomes 0.00006 and 0.00012; gnomAD 0.00009; TOPMed 0.00009; ESP Exome Variant Server 0.00024.
gnomAD v4.1: 191 of 1,612,210 alleles (0.012%); highest among the groups gnomAD compares: Non-Finnish European, 0.015%; no homozygotes.

Submissions (3):

Labcorp Genetics (formerly Invitae), Labcorp
Classification: Likely benign for Pyogenic arthritis-pyoderma gangrenosum-acne syndrome. Last evaluated: 2025-06-29. Review status: criteria provided, single submitter. Criteria: Invitae Variant Classification Sherloc (09022015). Collection method: clinical testing. Allele origin: germline.

Blueprint Genetics
Classification: Likely benign. Last evaluated: 2024-10-03. Review status: criteria provided, single submitter. Criteria: ACMG Guidelines, 2015. Collection method: clinical testing. Allele origin: germline.

GeneDx
Classification: Benign. Last evaluated: 2012-08-06. Review status: criteria provided, single submitter. Criteria: GeneDx Variant Classification (06012015). Collection method: clinical testing. Allele origin: germline. Affected: yes.
Comment: This variant is considered likely benign or benign based on one or more of the following criteria: it is a conservative change, it occurs at a poorly conserved position in the protein, it is predicted to be benign by multiple in silico algorithms, and/or has population frequency not consistent with disease.